The following is an entry in ClinVar:

ClinVar aggregate classification (germline): Uncertain significance (1 of 4 stars; one submission).

Conditions:
Hereditary cancer-predisposing syndrome. Also called: Hereditary Cancer Syndrome; Hereditary neoplastic syndrome; Neoplastic Syndromes, Hereditary; Tumor predisposition. Identifiers: Orphanet 140162, MedGen C0027672, MeSH D009386, MONDO:0015356.

Allele frequency attached by ClinVar (database versions not stated): gnomAD exomes below 0.00001.

Submission:

Ambry Genetics
Classification: Uncertain significance for Hereditary cancer-predisposing syndrome. Last evaluated: 2020-11-16. Review status: criteria provided, single submitter. Criteria: Ambry Variant Classification Scheme 2023. Collection method: clinical testing. Allele origin: germline.
Comment: The p.E1528K variant (also known as c.4582G>A), located in coding exon 31 of the SMARCA4 gene, results from a G to A substitution at nucleotide position 4582. The glutamic acid at codon 1528 is replaced by lysine, an amino acid with similar properties. This amino acid position is highly conserved in available vertebrate species. In addition, the in silico prediction for this alteration is inconclusive. Since supporting evidence is limited at this time, the clinical significance of this alteration remains unclear.

NM_003072.5(SMARCA4):c.4486G>A (p.Glu1496Lys)

Gene: SMARCA4 (SWI/SNF related BAF chromatin remodeling complex subunit ATPase 4; plus strand). Cytogenetic location: 19p13.2.
Variant type: single nucleotide variant.
Coding change: c.4486G>A on transcript NM_003072.5 (MANE Select); coding-DNA position 4486, G replaced by A.
Protein change: p.Glu1496Lys; replaces glutamic acid 1496 with lysine.
Molecular consequence: missense variant. On other transcripts: non-coding transcript variant (1).
Genome position (GRCh38, 1-based): chr19:11,058,316, G>A. VCF-style: chr19-11058316-G-A. GRCh37 (hg19) VCF-style: chr19-11168992-G-A.
Other names: c.4486G>A, p.Glu1496Lys (NM_001128844.3); c.4396G>A, p.Glu1466Lys (NM_001128845.2); c.4393G>A, p.Glu1465Lys (NM_001128846.2); c.4387G>A, p.Glu1463Lys (NM_001128847.4, NM_001374457.1); c.4384G>A, p.Glu1462Lys (NM_001128848.2); c.4582G>A, p.Glu1528Lys (NM_001128849.3, NM_001387283.1); c.4483G>A, p.Glu1495Lys (NM_001411150.1); short protein forms E1463K, E1496K, E1465K, E1495K, E1528K, E1462K, E1466K.
Identifiers: ClinVar variation 1741651 (VCV001741651.2), dbSNP rs2147086984, ClinGen allele CA404077650.
Genomic context (GRCh38, chr19:11,058,316, plus strand): 5'-AGCAGTGGACGTCAGCTCAGCGAGGTCTTCATCCAGCTGCCCTCGCGAAAGGAGCTGCCC[G>A]AGTACTACGAGCTCATCCGCAAGCCCGTGGACTTCAAGAAGATAAAGGTAACCCTGACGT-3'
Protein context (NP_003063.2, residues 1486-1506): IQLPSRKELP[Glu1496Lys]YYELIRKPVD